The following is an entry in ClinVar:

ClinVar aggregate classification (germline): Uncertain significance (1 of 4 stars; one submission).

Conditions:
Charcot-Marie-Tooth disease type 4. Also called: Charcot-Marie-Tooth disease, type IV; Charcot-Marie-Tooth, Type 4. Identifiers: Orphanet 64749, MedGen C4082197, MONDO:0018995.

Allele frequency attached by ClinVar (database versions not stated): gnomAD 0.00001; TOPMed 0.00001.
gnomAD v4.1: 1 of 1,609,114 alleles (0.000062%); highest among the groups gnomAD compares: Admixed American, 0.0017%; no homozygotes.

Submission:

Labcorp Genetics (formerly Invitae), Labcorp
Classification: Uncertain significance for Charcot-Marie-Tooth disease type 4. Last evaluated: 2019-02-21. Review status: criteria provided, single submitter. Criteria: Invitae Variant Classification Sherloc (09022015). Collection method: clinical testing. Allele origin: germline.
Comment: In summary, the available evidence is currently insufficient to determine the role of this variant in disease. Therefore, it has been classified as a Variant of Uncertain Significance. Algorithms developed to predict the effect of missense changes on protein structure and function are either unavailable or do not agree on the potential impact of this missense change (SIFT: "Tolerated"; PolyPhen-2: "Possibly Damaging"; Align-GVGD: "Class C0"). This variant has not been reported in the literature in individuals with SBF2-related conditions. This variant is not present in population databases (ExAC no frequency). This sequence change replaces glycine with alanine at codon 138 of the SBF2 protein (p.Gly138Ala). The glycine residue is highly conserved and there is a small physicochemical difference between glycine and alanine.

NM_030962.4(SBF2):c.413G>C (p.Gly138Ala)

Gene: SBF2 (SET binding factor 2; minus strand). Cytogenetic location: 11p15.4.
Variant type: single nucleotide variant.
Coding change: c.413G>C on transcript NM_030962.4 (MANE Select); coding-DNA position 413, G replaced by C.
Protein change: p.Gly138Ala; replaces glycine 138 with alanine.
Molecular consequence: missense variant.
Genome position (GRCh38, 1-based): chr11:10,029,865, C>G on the plus strand (G>C on the coding strand, the complement: SBF2 is on the minus strand). VCF-style: chr11-10029865-C-G. GRCh37 (hg19) VCF-style: chr11-10051412-C-G.
Other names: c.413G>C, p.Gly138Ala (NM_001386339.1, NM_001386342.1); short protein forms G138A.
Identifiers: ClinVar variation 835555 (VCV000835555.10), dbSNP rs1949191748, ClinGen allele CA379646484.